The following is an entry in ClinVar:

NM_002181.4(IHH):c.1081T>C (p.Phe361Leu)

Gene: IHH (Indian hedgehog signaling molecule; minus strand). Cytogenetic location: 2q35.
Variant type: single nucleotide variant.
Coding change: c.1081T>C on transcript NM_002181.4 (MANE Select); coding-DNA position 1081, T replaced by C.
Protein change: p.Phe361Leu; replaces phenylalanine 361 with leucine.
Molecular consequence: missense variant.
Genome position (GRCh38, 1-based): chr2:219,055,362, A>G on the plus strand (T>C on the coding strand, the complement: IHH is on the minus strand). VCF-style: chr2-219055362-A-G. GRCh37 (hg19) VCF-style: chr2-219920084-A-G.
Other names: short protein forms F361L.
Identifiers: ClinVar variation 2987238 (VCV002987238.3), dbSNP rs763496709, ClinGen allele CA65947750.

ClinVar aggregate classification (germline): Uncertain significance (1 of 4 stars; one submission).

Allele frequency attached by ClinVar (database versions not stated): TOPMed below 0.00001; gnomAD exomes 0.00001.
gnomAD v4.1: 23 of 1,613,272 alleles (0.0014%); highest among the groups gnomAD compares: Non-Finnish European, 0.0018%; no homozygotes.

Submission:

Labcorp Genetics (formerly Invitae), Labcorp
Classification: Uncertain significance. Last evaluated: 2023-12-09. Review status: criteria provided, single submitter. Criteria: Invitae Variant Classification Sherloc (09022015). Collection method: clinical testing. Allele origin: germline.
Comment: This sequence change replaces phenylalanine, which is neutral and non-polar, with leucine, which is neutral and non-polar, at codon 361 of the IHH protein (p.Phe361Leu). This variant is present in population databases (rs763496709, gnomAD no frequency). This variant has not been reported in the literature in individuals affected with IHH-related conditions. Advanced modeling of protein sequence and biophysical properties (such as structural, functional, and spatial information, amino acid conservation, physicochemical variation, residue mobility, and thermodynamic stability) performed at Invitae indicates that this missense variant is not expected to disrupt IHH protein function with a negative predictive value of 80%. In summary, the available evidence is currently insufficient to determine the role of this variant in disease. Therefore, it has been classified as a Variant of Uncertain Significance.